The following is an entry in ClinVar:

ClinVar aggregate classification (germline): Uncertain significance. Review status: criteria provided, multiple submitters, no conflicts (2 of 4 stars). 2 submissions from 2 submitters: Uncertain significance (2). Last evaluated 2025-04-23.

Conditions:
Inborn genetic diseases. Identifiers: MedGen C0950123, MeSH D030342.

Allele frequency attached by ClinVar (database versions not stated): gnomAD 0.00001; gnomAD exomes 0.00001; TOPMed 0.00001; ExAC 0.00002.
gnomAD v4.1: 9 of 1,611,682 alleles (0.00056%); highest among the groups gnomAD compares: Admixed American, 0.015%; no homozygotes.

Submissions (2):

Labcorp Genetics (formerly Invitae), Labcorp
Classification: Uncertain significance. Last evaluated: 2025-04-23. Review status: criteria provided, single submitter. Criteria: Invitae Variant Classification Sherloc (09022015). Collection method: clinical testing. Allele origin: germline.
Comment: This sequence change replaces aspartic acid, which is acidic and polar, with histidine, which is basic and polar, at codon 204 of the CNOT1 protein (p.Asp204His). This variant is present in population databases (rs779379804, gnomAD 0.02%). This variant has not been reported in the literature in individuals affected with CNOT1-related conditions. ClinVar contains an entry for this variant (Variation ID: 3146589). An algorithm developed to predict the effect of missense changes on protein structure and function (PolyPhen-2) suggests that this variant is likely to be tolerated. In summary, the available evidence is currently insufficient to determine the role of this variant in disease. Therefore, it has been classified as a Variant of Uncertain Significance.

Ambry Genetics
Classification: Uncertain significance for Inborn genetic diseases. Last evaluated: 2024-01-04. Review status: criteria provided, single submitter. Criteria: Ambry Variant Classification Scheme 2023. Collection method: clinical testing. Allele origin: germline.

NM_016284.5(CNOT1):c.610G>C (p.Asp204His)

Gene: CNOT1 (CCR4-NOT transcription complex subunit 1; minus strand). Cytogenetic location: 16q21.
Variant type: single nucleotide variant.
Coding change: c.610G>C on transcript NM_016284.5 (MANE Select); coding-DNA position 610, G replaced by C.
Protein change: p.Asp204His; replaces aspartic acid 204 with histidine.
Molecular consequence: missense variant. On other transcripts: non-coding transcript variant (1).
Genome position (GRCh38, 1-based): chr16:58,586,572, C>G on the plus strand (G>C on the coding strand, the complement: CNOT1 is on the minus strand). VCF-style: chr16-58586572-C-G. GRCh37 (hg19) VCF-style: chr16-58620476-C-G.
Other names: c.610G>C, p.Asp204His (NM_001265612.2, NM_206999.3); short protein forms D204H.
Identifiers: ClinVar variation 3146589 (VCV003146589.3), dbSNP rs779379804, ClinGen allele CA8090131.